The following is an entry in ClinVar:

ClinVar aggregate classification (germline): Uncertain significance (1 of 4 stars; one submission).

Conditions:
Glycogen storage disease, type II (IOPD). Also called: CARDIOMEGALIA GLYCOGENICA DIFFUSA; POMPE DISEASE, INFANTILE-ONSET; GLYCOGEN STORAGE DISEASE II, INFANTILE-ONSET; ACID ALPHA-GLUCOSIDASE DEFICIENCY, INFANTILE-ONSET; GAA DEFICIENCY, INFANTILE-ONSET; ACID MALTASE DEFICIENCY, INFANTILE-ONSET. Identifiers: Orphanet 365, MedGen C0017921, MONDO:0009290, OMIM 232300.

Submission:

Labcorp Genetics (formerly Invitae), Labcorp
Classification: Uncertain significance for Glycogen storage disease, type II. Last evaluated: 2024-10-16. Review status: criteria provided, single submitter. Criteria: Invitae Variant Classification Sherloc (09022015). Collection method: clinical testing. Allele origin: germline.
Comment: This sequence change replaces glycine, which is neutral and non-polar, with arginine, which is basic and polar, at codon 532 of the GAA protein (p.Gly532Arg). This variant is not present in population databases (gnomAD no frequency). This variant has not been reported in the literature in individuals affected with GAA-related conditions. ClinVar contains an entry for this variant (Variation ID: 2015179). Invitae Evidence Modeling of protein sequence and biophysical properties (such as structural, functional, and spatial information, amino acid conservation, physicochemical variation, residue mobility, and thermodynamic stability) indicates that this missense variant is expected to disrupt GAA protein function with a positive predictive value of 95%. In summary, the available evidence is currently insufficient to determine the role of this variant in disease. Therefore, it has been classified as a Variant of Uncertain Significance.

NM_000152.5(GAA):c.1594G>C (p.Gly532Arg)

Gene: GAA (alpha glucosidase; plus strand). Cytogenetic location: 17q25.3.
Variant type: single nucleotide variant.
Coding change: c.1594G>C on transcript NM_000152.5 (MANE Select); coding-DNA position 1594, G replaced by C.
Protein change: p.Gly532Arg; replaces glycine 532 with arginine.
Molecular consequence: missense variant.
Genome position (GRCh38, 1-based): chr17:80,110,983, G>C. VCF-style: chr17-80110983-G-C. GRCh37 (hg19) VCF-style: chr17-78084782-G-C.
Other names: c.1594G>C, p.Gly532Arg (NM_001079803.3, NM_001079804.3, NM_001406741.1 and 1 more transcripts); short protein forms G532R.
Identifiers: ClinVar variation 2015179 (VCV002015179.4), dbSNP rs773576381, ClinGen allele CA401367276.